The following is an entry in ClinVar:

ClinVar aggregate classification (germline): Uncertain significance (1 of 4 stars; one submission).

gnomAD v4.1: 1 of 1,604,390 alleles (0.000062%); highest among the groups gnomAD compares: Non-Finnish European, 0.000085%; no homozygotes.

Submission:

GeneDx
Classification: Uncertain significance. Last evaluated: 2024-12-23. Review status: criteria provided, single submitter. Criteria: GeneDx Variant Classification Process June 2021. Collection method: clinical testing. Allele origin: germline. Affected: yes.
Comment: Not observed at significant frequency in large population cohorts (gnomAD); In silico analysis supports that this missense variant has a deleterious effect on protein structure/function; Has not been previously published as pathogenic or benign to our knowledge

NM_003128.3(SPTBN1):c.4793A>G (p.Tyr1598Cys)

Gene: SPTBN1 (spectrin beta, non-erythrocytic 1; plus strand). Cytogenetic location: 2p16.2.
Variant type: single nucleotide variant.
Coding change: c.4793A>G on transcript NM_003128.3 (MANE Select); coding-DNA position 4793, A replaced by G.
Protein change: p.Tyr1598Cys; replaces tyrosine 1598 with cysteine.
Molecular consequence: missense variant.
Genome position (GRCh38, 1-based): chr2:54,646,402, A>G. VCF-style: chr2-54646402-A-G. GRCh37 (hg19) VCF-style: chr2-54873539-A-G.
Other names: c.4754A>G, p.Tyr1585Cys (NM_178313.3); short protein forms Y1585C, Y1598C.
Identifiers: ClinVar variation 3907954 (VCV003907954.1).